The following is an entry in ClinVar:

ClinVar aggregate classification (germline): Uncertain significance. Review status: criteria provided, multiple submitters, no conflicts (2 of 4 stars). 2 submissions from 2 submitters: Uncertain significance (2). Last evaluated 2025-04-10.

Allele frequency attached by ClinVar (database versions not stated): gnomAD exomes 0.00002 and 0.00004; gnomAD 0.00006; TOPMed 0.00006.
gnomAD v4.1: 75 of 1,612,884 alleles (0.0047%); highest among the groups gnomAD compares: Non-Finnish European, 0.0058%; no homozygotes.

Submissions (2):

Ambry Genetics
Classification: Uncertain significance. Last evaluated: 2025-04-10. Review status: criteria provided, single submitter. Criteria: Ambry Variant Classification Scheme 2023. Collection method: clinical testing. Allele origin: germline.

Labcorp Genetics (formerly Invitae), Labcorp
Classification: Uncertain significance. Last evaluated: 2021-11-20. Review status: criteria provided, single submitter. Criteria: Invitae Variant Classification Sherloc (09022015). Collection method: clinical testing. Allele origin: germline.
Comment: In summary, the available evidence is currently insufficient to determine the role of this variant in disease. Therefore, it has been classified as a Variant of Uncertain Significance. Algorithms developed to predict the effect of missense changes on protein structure and function are either unavailable or do not agree on the potential impact of this missense change (SIFT: "Deleterious"; PolyPhen-2: "Benign"; Align-GVGD: "Class C0"). This variant has not been reported in the literature in individuals affected with MTMR14-related conditions. This variant is present in population databases (no rsID available, gnomAD 0.005%). This sequence change replaces lysine, which is basic and polar, with glutamic acid, which is acidic and polar, at codon 137 of the MTMR14 protein (p.Lys137Glu).

NM_001077525.3(MTMR14):c.409A>G (p.Lys137Glu)

Gene: MTMR14 (myotubularin related protein 14; plus strand). Cytogenetic location: 3p25.3.
Variant type: single nucleotide variant.
Coding change: c.409A>G on transcript NM_001077525.3 (MANE Select); coding-DNA position 409, A replaced by G.
Protein change: p.Lys137Glu; replaces lysine 137 with glutamic acid.
Molecular consequence: missense variant.
Genome position (GRCh38, 1-based): chr3:9,662,367, A>G. VCF-style: chr3-9662367-A-G. GRCh37 (hg19) VCF-style: chr3-9704051-A-G.
Other names: c.409A>G, p.Lys137Glu (NM_001077526.3, NM_022485.5); c.409A>G (NM_022485.4); short protein forms K137E.
Identifiers: ClinVar variation 1406589 (VCV001406589.7), dbSNP rs1040097421, ClinGen allele CA70441762.